The following is an entry in ClinVar:

NM_080425.4(GNAS):c.1294G>A (p.Gly432Arg)

Gene: GNAS (GNAS complex locus; plus strand). Cytogenetic location: 20q13.32.
Variant type: single nucleotide variant.
Coding change: c.1294G>A on transcript NM_080425.4 (MANE Plus Clinical); coding-DNA position 1294, G replaced by A.
Protein change: p.Gly432Arg; replaces glycine 432 with arginine.
Molecular consequence: missense variant. On other transcripts: synonymous variant (2), intron variant (3).
Genome position (GRCh38, 1-based): chr20:58,854,559, G>A. VCF-style: chr20-58854559-G-A. GRCh37 (hg19) VCF-style: chr20-57429614-G-A.
Other names: c.1107G>A, p.Pro369= (NM_001077490.3, NM_001309883.1); c.1294G>A, p.Gly432Arg (NM_001410913.1); c.*42+13673G>A (NM_016592.5); c.43+13673G>A (NM_001410912.1); c.-39+12684G>A (NM_001309861.2); short protein forms G432R.
Identifiers: ClinVar variation 3353749 (VCV003353749.1).
Genomic context (GRCh38, chr20:58,854,559, plus strand): 5'-GACTCCGGGACAGCACCAGCCGATCCTGACTCCGGGGCATTCGCAGCCGATCCCGACTCC[G>A]GGGCAGCCCCTGCCGCCCCAGCCGATCCCGACTCCGGGGCGGCCCCTGACGCCCCAGCCG-3'
Protein context (NP_536350.2, residues 422-442): SGAFAADPDS[Gly432Arg]AAPAAPADPD

ClinVar aggregate classification (germline): Uncertain significance (0 of 4 stars; one submission).

Conditions:
GNAS-related disorder. Identifiers: MedGen CN380105.

Submission:

PreventionGenetics, part of Exact Sciences
Classification: Uncertain significance for GNAS-related condition. Last evaluated: 2024-01-22. Review status: no assertion criteria provided. Collection method: clinical testing. Allele origin: germline.
Comment: The GNAS c.1294G>A variant is predicted to result in the amino acid substitution p.Gly432Arg. This variant can also be referred to as precoding c.-37168G>A variant with the transcript NM_000516 listed in the Human Gene Mutation Database. To our knowledge, this variant has not been reported in the literature. This variant is reported in 0.029% of alleles in individuals of African descent in gnomAD. Although we suspect that this variant may be benign, at this time, the clinical significance of this variant is uncertain due to the absence of conclusive functional and genetic evidence.